The following is an entry in ClinVar:

NM_006739.4(MCM5):c.1498G>C (p.Gly500Arg)

Gene: MCM5 (minichromosome maintenance complex component 5; plus strand). Cytogenetic location: 22q12.3.
Variant type: single nucleotide variant.
Coding change: c.1498G>C on transcript NM_006739.4 (MANE Select); coding-DNA position 1498, G replaced by C.
Protein change: p.Gly500Arg; replaces glycine 500 with arginine.
Molecular consequence: missense variant.
Genome position (GRCh38, 1-based): chr22:35,416,722, G>C. VCF-style: chr22-35416722-G-C. GRCh37 (hg19) VCF-style: chr22-35812715-G-C.
Other names: short protein forms G500R.
Identifiers: ClinVar variation 1491323 (VCV001491323.6), dbSNP rs753606587, ClinGen allele CA10205399.

ClinVar aggregate classification (germline): Uncertain significance (1 of 4 stars; one submission).

gnomAD v4.1: 48 of 1,614,060 alleles (0.003%); highest among the groups gnomAD compares: Middle Eastern, 0.016%; no homozygotes.

Submission:

Labcorp Genetics (formerly Invitae), Labcorp
Classification: Uncertain significance. Last evaluated: 2022-11-22. Review status: criteria provided, single submitter. Criteria: Invitae Variant Classification Sherloc (09022015). Collection method: clinical testing. Allele origin: germline.
Comment: This sequence change replaces glycine, which is neutral and non-polar, with arginine, which is basic and polar, at codon 500 of the MCM5 protein (p.Gly500Arg). This variant is present in population databases (rs753606587, gnomAD 0.009%). This variant has not been reported in the literature in individuals affected with MCM5-related conditions. ClinVar contains an entry for this variant (Variation ID: 1491323). Advanced modeling of protein sequence and biophysical properties (such as structural, functional, and spatial information, amino acid conservation, physicochemical variation, residue mobility, and thermodynamic stability) has been performed at Invitae for this missense variant, however the output from this modeling did not meet the statistical confidence thresholds required to predict the impact of this variant on MCM5 protein function. In summary, the available evidence is currently insufficient to determine the role of this variant in disease. Therefore, it has been classified as a Variant of Uncertain Significance.